The following is an entry in ClinVar:

NM_001384140.1(PCDH15):c.-32G>T

Gene: PCDH15 (protocadherin related 15; minus strand). Cytogenetic location: 10q21.1.
Variant type: single nucleotide variant.
Coding change: c.-32G>T on transcript NM_001384140.1 (MANE Select); 32 bases upstream of the start codon, G replaced by T.
Molecular consequence: 5 prime UTR variant. On other transcripts: intron variant (1).
Genome position (GRCh38, 1-based): chr10:54,800,928, C>A on the plus strand (G>T on the coding strand, the complement: PCDH15 is on the minus strand). VCF-style: chr10-54800928-C-A. GRCh37 (hg19) VCF-style: chr10-56560688-C-A.
Other names: c.-32G>T (NM_001142763.2, NM_001142764.2, NM_001142765.2 and 13 more transcripts); c.-29+96522G>T (NM_001354404.2).
Identifiers: ClinVar variation 4977852 (VCV004977852.1).

ClinVar aggregate classification (germline): Likely benign (1 of 4 stars; one submission).

Conditions:
PCDH15-related disorder. Also called: PCDH15-related condition; PCDH15-related disorders.

Submission:

PreventionGenetics, part of Exact Sciences
Classification: Likely benign for PCDH15-related condition. Last evaluated: 2026-01-27. Review status: criteria provided, single submitter. Criteria: ACMG Guidelines, 2015. Collection method: clinical testing. Allele origin: germline.
Comment: This variant is classified as likely benign based on ACMG/AMP sequence variant interpretation guidelines (Richards et al. 2015 PMID: 25741868, with internal and published modifications).